The following is an entry in ClinVar:

ClinVar aggregate classification (germline): Uncertain significance (1 of 4 stars; one submission).

Conditions:
Trimethylaminuria (TMAU). Also called: Primary Trimethylaminuria; Fish malodor syndrome; Stale fish syndrome; TMAuria; FISH-ODOR SYNDROME. Identifiers: MedGen C0342739, MONDO:0011182, OMIM 602079, HP:0003614. Disease mechanism: loss of function.

Submission:

Myriad Genetics, Inc.
Classification: Uncertain significance for Trimethylaminuria. Last evaluated: 2025-10-07. Review status: criteria provided, single submitter. Criteria: Myriad Autosomal Dominant, Autosomal Recessive and X-Linked Classification Criteria (2023). Collection method: clinical testing. Allele origin: unknown.
Comment: NM_001002294.2(FMO3):c.197T>A(M66K) is a missense variant classified as a variant of uncertain significance in the context of primary trimethylaminuria. M66K has not been observed in cases with relevant disease. Relevant functional assessments of this variant are not available in the literature. M66K has not been observed in referenced population frequency databases. In summary, there is insufficient evidence to classify NM_001002294.2(FMO3):c.197T>A(M66K) as pathogenic or benign. Please note: this variant was assessed in the context of healthy population screening.

NM_001002294.3(FMO3):c.197T>A (p.Met66Lys)

Gene: FMO3 (flavin containing dimethylaniline monoxygenase 3; plus strand). Cytogenetic location: 1q24.3.
Variant type: single nucleotide variant.
Coding change: c.197T>A on transcript NM_001002294.3 (MANE Select); coding-DNA position 197, T replaced by A.
Protein change: p.Met66Lys; replaces methionine 66 with lysine.
Molecular consequence: missense variant. On other transcripts: intron variant (1).
Genome position (GRCh38, 1-based): chr1:171,103,849, T>A. VCF-style: chr1-171103849-T-A. GRCh37 (hg19) VCF-style: chr1-171072990-T-A.
Other names: c.137T>A, p.Met46Lys (NM_001319173.2); c.197T>A, p.Met66Lys (NM_006894.6); c.133-3826T>A (NM_001319174.2); short protein forms M46K, M66K.
Identifiers: ClinVar variation 5004209 (VCV005004209.1).